The following is an entry in ClinVar:

NM_000620.5(NOS1):c.458C>T (p.Ser153Leu)

Gene: NOS1 (nitric oxide synthase 1; minus strand). Cytogenetic location: 12q24.22.
Variant type: single nucleotide variant.
Coding change: c.458C>T on transcript NM_000620.5 (MANE Select); coding-DNA position 458, C replaced by T.
Protein change: p.Ser153Leu; replaces serine 153 with leucine.
Molecular consequence: missense variant.
Genome position (GRCh38, 1-based): chr12:117,330,612, G>A on the plus strand (C>T on the coding strand, the complement: NOS1 is on the minus strand). VCF-style: chr12-117330612-G-A. GRCh37 (hg19) VCF-style: chr12-117768417-G-A.
Other names: c.458C>T, p.Ser153Leu (NM_001204218.2); c.458C>T (NM_001204218.1); short protein forms S153L.
Identifiers: ClinVar variation 787102 (VCV000787102.7), dbSNP rs41514244, ClinGen allele CA6815450.
Genomic context (GRCh38, chr12:117,330,612, plus strand): 5'-GGGAGTGAGCCAGCCTCCTGCCCATCATCGTAGGCATGCTGAGGCCCATTCCCGGGACCC[G>A]AGGCCCCATCCACTGCCAGGGGCTGTTCTTTGCCGGCCGGTGGCTGGTGGGACAGATCCA-3'
Protein context (NP_000611.1, residues 143-163): KEQPLAVDGA[Ser153Leu]GPGNGPQHAY

ClinVar aggregate classification (germline): Benign. Review status: criteria provided, multiple submitters, no conflicts (2 of 4 stars). 3 submissions from 3 submitters: Benign (2). 1 of the submissions does not count toward it. Last evaluated 2019-12-31.

Conditions:
NOS1-related disorder. Also called: NOS1-related condition.

Allele frequency attached by ClinVar (database versions not stated): ExAC 0.00183; gnomAD 0.00659 and 0.00623; TOPMed 0.00735; 1000 Genomes Project 30x 0.00968; gnomAD exomes 0.00064 and 0.00155; ESP Exome Variant Server 0.00533; 1000 Genomes Project 0.00899.
gnomAD v4.1: 1,907 of 1,611,658 alleles (0.12%); highest among the groups gnomAD compares: African/African-American, 2.3%; 22 homozygotes.

Submissions (3):

Labcorp Genetics (formerly Invitae), Labcorp
Classification: Benign. Last evaluated: 2019-12-31. Review status: criteria provided, single submitter. Criteria: Invitae Variant Classification Sherloc (09022015). Collection method: clinical testing. Allele origin: germline.

Breakthrough Genomics
Classification: Benign. Review status: criteria provided, single submitter. Criteria: ACMG Guidelines, 2015. Collection method: not provided. Allele origin: germline. Inheritance: Unknown mechanism. Affected: yes.

PreventionGenetics, part of Exact Sciences
Classification: Benign for NOS1-related condition. Last evaluated: 2019-03-21. Review status: no assertion criteria provided. Collection method: clinical testing. Allele origin: germline. Not counted in ClinVar's aggregate classification.
Comment: This variant is classified as benign based on ACMG/AMP sequence variant interpretation guidelines (Richards et al. 2015 PMID: 25741868, with internal and published modifications).